The following is an entry in ClinVar:

ClinVar aggregate classification (germline): Likely pathogenic (1 of 4 stars; one submission).

Conditions:
Epilepsy, familial focal, with variable foci 3 (FFEVF3). Identifiers: MedGen C4310708, MONDO:0014925, OMIM 617118.

Submission:

Labcorp Genetics (formerly Invitae), Labcorp
Classification: Likely pathogenic for Epilepsy, familial focal, with variable foci 3. Last evaluated: 2022-07-12. Review status: criteria provided, single submitter. Criteria: Invitae Variant Classification Sherloc (09022015). Collection method: clinical testing. Allele origin: germline.
Comment: ClinVar contains an entry for this variant (Variation ID: 1482664). In summary, the currently available evidence indicates that the variant is pathogenic, but additional data are needed to prove that conclusively. Therefore, this variant has been classified as Likely Pathogenic. Algorithms developed to predict the effect of sequence changes on RNA splicing suggest that this variant may disrupt the consensus splice site. Disruption of this splice site has been observed in individual(s) with clinical features of NPRL3-related conditions (Invitae). This variant is not present in population databases (gnomAD no frequency). This sequence change affects a donor splice site in intron 7 of the NPRL3 gene. It is expected to disrupt RNA splicing. Variants that disrupt the donor or acceptor splice site typically lead to a loss of protein function (PMID: 16199547), and loss-of-function variants in NPRL3 are known to be pathogenic (PMID: 26285051, 26505888).

Literature cited by the submitters: PubMed 16199547; PubMed 26285051; PubMed 26505888.

NM_001077350.3(NPRL3):c.629+1G>A

Genes: HBA-LCR (alpha-globin locus control region; plus strand), NPRL3 (NPR3 like, GATOR1 complex subunit; minus strand). Cytogenetic location: 16p13.3.
Variant type: single nucleotide variant.
Coding change: c.629+1G>A on transcript NM_001077350.3 (MANE Select); the canonical splice donor site of the intron after coding-DNA position 629, G replaced by A.
Molecular consequence: splice donor variant.
Genome position (GRCh38, 1-based): chr16:110,524, C>T on the plus strand (G>A on the coding strand, the complement: NPRL3 is on the minus strand). VCF-style: chr16-110524-C-T. GRCh37 (hg19) VCF-style: chr16-160522-C-T.
Other names: c.395+1G>A (NM_001243247.2); c.554+1G>A (NM_001243248.2, NM_001243249.2); c.92+1G>A (NM_001039476.3).
Identifiers: ClinVar variation 1482664 (VCV001482664.8), dbSNP rs2141946055, ClinGen allele CA393992645.